The following is an entry in ClinVar:

ClinVar aggregate classification (germline): Benign/Likely benign. Review status: criteria provided, multiple submitters, no conflicts (2 of 4 stars). 4 submissions from 4 submitters: Benign (1); Likely benign (3). Last evaluated 2025-09-18.

Conditions:
Familial adenomatous polyposis 1 (FAP1). Also called: FAMILIAL ADENOMATOUS POLYPOSIS 1, ATTENUATED; POLYPOSIS, ADENOMATOUS INTESTINAL. Identifiers: MedGen C2713442, MONDO:0021056, OMIM 175100. Disease mechanism: loss of function.
Hereditary cancer-predisposing syndrome. Also called: Neoplastic Syndromes, Hereditary; Tumor predisposition; Hereditary Cancer Syndrome; Hereditary neoplastic syndrome. Identifiers: Orphanet 140162, MedGen C0027672, MeSH D009386, MONDO:0015356.

gnomAD v4.1: 1 of 1,613,356 alleles (0.000062%); no homozygotes.

Submissions (4):

Labcorp Genetics (formerly Invitae), Labcorp
Classification: Likely benign for Familial adenomatous polyposis 1. Last evaluated: 2025-09-18. Review status: criteria provided, single submitter. Criteria: Invitae Variant Classification Sherloc (09022015). Collection method: clinical testing. Allele origin: germline.

Myriad Genetics, Inc.
Classification: Benign for Familial adenomatous polyposis 1. Last evaluated: 2024-02-22. Review status: criteria provided, single submitter. Criteria: Myriad Autosomal Dominant, Autosomal Recessive and X-Linked Classification Criteria (2023). Collection method: clinical testing. Allele origin: unknown.
Comment: This variant is considered benign. This variant is a silent/synonymous amino acid change and it is not expected to impact splicing.

Ambry Genetics
Classification: Likely benign for Hereditary cancer-predisposing syndrome. Last evaluated: 2023-03-18. Review status: criteria provided, single submitter. Criteria: Ambry Variant Classification Scheme 2023. Collection method: clinical testing. Allele origin: germline.

Color Diagnostics, LLC DBA Color Health
Classification: Likely benign for Hereditary cancer-predisposing syndrome. Last evaluated: 2019-01-07. Review status: criteria provided, single submitter. Criteria: ACMG Guidelines, 2015. Collection method: clinical testing. Allele origin: germline.

NM_000038.6(APC):c.225T>C (p.Leu75=)

Gene: APC (APC regulator of Wnt signaling pathway; plus strand). Cytogenetic location: 5q22.2.
Variant type: single nucleotide variant.
Coding change: c.225T>C on transcript NM_000038.6 (MANE Select); coding-DNA position 225, T replaced by C.
Protein change: p.Leu75=; no amino-acid change (leucine 75 retained).
Molecular consequence: synonymous variant. On other transcripts: 5 prime UTR variant (1).
Genome position (GRCh38, 1-based): chr5:112,767,193, T>C. VCF-style: chr5-112767193-T-C. GRCh37 (hg19) VCF-style: chr5-112102890-T-C.
Other names: c.225T>C, p.Leu75= (NM_001127510.3, NM_001354895.2, NM_001354896.2 and 2 more transcripts); c.255T>C, p.Leu85= (NM_001127511.3, NM_001354897.2, NM_001354902.2); c.150T>C, p.Leu50= (NM_001354898.2, NM_001354904.2); c.48T>C, p.Leu16= (NM_001354900.2, NM_001354901.2, NM_001354905.2); c.-811T>C (NM_001354906.2).
Identifiers: ClinVar variation 918519 (VCV000918519.8), dbSNP rs1756428442, ClinGen allele CA445753088.